The following is an entry in ClinVar:

NM_022124.6(CDH23):c.1751G>A (p.Arg584Gln)

Gene: CDH23 (cadherin related 23; plus strand). Cytogenetic location: 10q22.1.
Variant type: single nucleotide variant.
Coding change: c.1751G>A on transcript NM_022124.6 (MANE Select); coding-DNA position 1751, G replaced by A.
Protein change: p.Arg584Gln; replaces arginine 584 with glutamine.
Molecular consequence: missense variant.
Genome position (GRCh38, 1-based): chr10:71,677,692, G>A. VCF-style: chr10-71677692-G-A. GRCh37 (hg19) VCF-style: chr10-73437449-G-A.
Other names: c.1751G>A, p.Arg584Gln (NM_001171930.2, NM_001171931.2); short protein forms R584Q.
Identifiers: ClinVar variation 300408 (VCV000300408.11), dbSNP rs776970952, ClinGen allele CA5543940.

ClinVar aggregate classification (germline): Uncertain significance. Review status: criteria provided, multiple submitters, no conflicts (2 of 4 stars). 7 submissions from 6 submitters: Uncertain significance (6). 1 of the submissions does not count toward it. Last evaluated 2024-10-17.

Conditions:
Inborn genetic diseases. Identifiers: MedGen C0950123, MeSH D030342.
Usher syndrome type 1 (USH1). Also called: RETINITIS PIGMENTOSA AND CONGENITAL DEAFNESS. Identifiers: Orphanet 231169, Orphanet 886, MedGen C1568247, MONDO:0010168, OMIM 276900.
Usher syndrome type 1D (USH1D). Also called: USHER SYNDROME, TYPE ID. Identifiers: Orphanet 231169, Orphanet 886, MedGen C1832845, MONDO:0010984, OMIM 601067.
Autosomal recessive nonsyndromic hearing loss 12. Also called: DEAFNESS, AUTOSOMAL RECESSIVE 12. Identifiers: Orphanet 90636, MedGen C1832394, MONDO:0011067, OMIM 601386.

Allele frequency attached by ClinVar (database versions not stated): gnomAD 0.00004 and 0.00005; TOPMed 0.00005; gnomAD exomes 0.00006; ExAC 0.00013.
gnomAD v4.1: 54 of 1,555,146 alleles (0.0035%); highest among the groups gnomAD compares: East Asian, 0.019%; no homozygotes.

Submissions (7):

GeneDx
Classification: Uncertain significance. Last evaluated: 2024-10-17. Review status: criteria provided, single submitter. Criteria: GeneDx Variant Classification Process June 2021. Collection method: clinical testing. Allele origin: germline. Affected: yes.
Comment: In silico analysis indicates that this missense variant does not alter protein structure/function; Has not been previously published as pathogenic or benign to our knowledge

Ambry Genetics
Classification: Uncertain significance for Inborn genetic diseases. Last evaluated: 2024-08-26. Review status: criteria provided, single submitter. Criteria: Ambry Variant Classification Scheme 2023. Collection method: clinical testing. Allele origin: germline.

Labcorp Genetics (formerly Invitae), Labcorp
Classification: Uncertain significance. Last evaluated: 2022-03-10. Review status: criteria provided, single submitter. Criteria: Invitae Variant Classification Sherloc (09022015). Collection method: clinical testing. Allele origin: germline.
Comment: This sequence change replaces arginine, which is basic and polar, with glutamine, which is neutral and polar, at codon 584 of the CDH23 protein (p.Arg584Gln). This variant is present in population databases (rs776970952, gnomAD 0.03%). This variant has not been reported in the literature in individuals affected with CDH23-related conditions. ClinVar contains an entry for this variant (Variation ID: 300408). Algorithms developed to predict the effect of missense changes on protein structure and function are either unavailable or do not agree on the potential impact of this missense change (SIFT: "Tolerated"; PolyPhen-2: "Not Available"; Align-GVGD: "Class C0"). Algorithms developed to predict the effect of sequence changes on RNA splicing suggest that this variant may create or strengthen a splice site. In summary, the available evidence is currently insufficient to determine the role of this variant in disease. Therefore, it has been classified as a Variant of Uncertain Significance.

Department of Pathology and Laboratory Medicine, Sinai Health System
Classification: Uncertain significance for Usher syndrome type 1. Last evaluated: 2021-12-09. Review status: criteria provided, single submitter. Criteria: ACMG Guidelines, 2015. Collection method: research. Allele origin: germline.

Illumina Laboratory Services, Illumina
Classification: Uncertain significance for Autosomal recessive nonsyndromic hearing loss 12. Last evaluated: 2018-01-13. Review status: criteria provided, single submitter. Criteria: ICSL Variant Classification Criteria 13 December 2019. Collection method: clinical testing. Allele origin: germline.

Illumina Laboratory Services, Illumina
Classification: Uncertain significance for Usher syndrome type 1D. Last evaluated: 2018-01-13. Review status: criteria provided, single submitter. Criteria: ICSL Variant Classification Criteria 13 December 2019. Collection method: clinical testing. Allele origin: germline.

Natera, Inc.
Classification: Uncertain significance for Usher syndrome type 1. Last evaluated: 2020-01-21. Review status: no assertion criteria provided. Collection method: clinical testing. Allele origin: germline. Not counted in ClinVar's aggregate classification.